The following is an entry in ClinVar:

NM_018418.5(SPATA7):c.1298T>C (p.Val433Ala)

Gene: SPATA7 (spermatogenesis associated 7; plus strand). Cytogenetic location: 14q31.3.
Variant type: single nucleotide variant.
Coding change: c.1298T>C on transcript NM_018418.5 (MANE Select); coding-DNA position 1298, T replaced by C.
Protein change: p.Val433Ala; replaces valine 433 with alanine.
Molecular consequence: missense variant.
Genome position (GRCh38, 1-based): chr14:88,437,920, T>C. VCF-style: chr14-88437920-T-C. GRCh37 (hg19) VCF-style: chr14-88904264-T-C.
Other names: c.1202T>C, p.Val401Ala (NM_001040428.4); short protein forms V433A, V401A.
Identifiers: ClinVar variation 4983489 (VCV004983489.1).

ClinVar aggregate classification (germline): Uncertain significance (1 of 4 stars; one submission).

Conditions:
SPATA7-related disorder. Also called: SPATA7-related disorders; SPATA7-related condition. Identifiers: MedGen CN239422.

gnomAD v4.1: 1 of 1,612,738 alleles (0.000062%); highest among the groups gnomAD compares: East Asian, 0.0022%; no homozygotes.

Submission:

PreventionGenetics, part of Exact Sciences
Classification: Uncertain significance for SPATA7-related condition. Last evaluated: 2026-09-15. Review status: criteria provided, single submitter. Criteria: ACMG Guidelines, 2015. Collection method: clinical testing. Allele origin: germline.
Comment: The SPATA7 c.1298T>C variant is predicted to result in the amino acid substitution p.Val433Ala. To our knowledge, this variant has not been reported in the literature or in a large population database (gnomAD), indicating this variant is rare. At this time, the clinical significance of this variant is uncertain due to the absence of conclusive functional and genetic evidence.